The following is an entry in ClinVar:

NM_000492.4(CFTR):c.3546del (p.Pro1181_Tyr1182insTer)

Genes: CFTR (CF transmembrane conductance regulator; plus strand), CFTR-AS2 (CFTR antisense RNA 2; minus strand). Cytogenetic location: 7q31.2.
Variant type: Deletion.
Coding change: c.3546del on transcript NM_000492.4 (MANE Select); coding-DNA position 3546, one base deleted (C; older notation c.3546delC).
Protein change: p.Pro1181_Tyr1182insTer.
Molecular consequence: nonsense.
Genome position (GRCh38, 1-based): chr7:117,627,599, C deleted. VCF-style (leftmost placement, unchanged base first): chr7-117627598-AC-A. GRCh37 (hg19) VCF-style: chr7-117267652-AC-A.
Identifiers: ClinVar variation 944877 (VCV000944877.10), dbSNP rs1792671655, ClinGen allele CA1139660069.

ClinVar aggregate classification (germline): Pathogenic/Likely pathogenic. Review status: criteria provided, multiple submitters, no conflicts (2 of 4 stars). 2 submissions from 2 submitters: Pathogenic (1); Likely pathogenic (1). Last evaluated 2025-01-07.

Conditions:
Bronchiectasis with or without elevated sweat chloride 1 (BESC1). Also called: Cystic Fibrosis-Like Syndrome. Identifiers: Orphanet 60033, MedGen C2749757, MONDO:0008887, OMIM 211400.
Cystic fibrosis (CF). Also called: MUCOVISCIDOSIS. Identifiers: Orphanet 586, MedGen C0010674, MONDO:0009061, OMIM 219700. Disease mechanism: loss of function.

Submissions (2):

Labcorp Genetics (formerly Invitae), Labcorp
Classification: Pathogenic for Cystic fibrosis. Last evaluated: 2025-01-07. Review status: criteria provided, single submitter. Criteria: Invitae Variant Classification Sherloc (09022015). Collection method: clinical testing. Allele origin: germline.
Comment: This sequence change creates a premature translational stop signal (p.Tyr1182*) in the CFTR gene. It is expected to result in an absent or disrupted protein product. Loss-of-function variants in CFTR are known to be pathogenic (PMID: 1695717, 7691345, 9725922). This variant is not present in population databases (gnomAD no frequency). This premature translational stop signal has been observed in individual(s) with cystic fibrosis (PMID: 30444886). ClinVar contains an entry for this variant (Variation ID: 944877). For these reasons, this variant has been classified as Pathogenic.

Baylor Genetics
Classification: Likely pathogenic for Bronchiectasis with or without elevated sweat chloride 1. Last evaluated: 2023-05-16. Review status: criteria provided, single submitter. Criteria: ACMG Guidelines, 2015. Collection method: clinical testing. Allele origin: unknown.

Literature cited by the submitters: PubMed 1695717 (cited by Labcorp Genetics (formerly Invitae), Labcorp); PubMed 7691345 (cited by Labcorp Genetics (formerly Invitae), Labcorp); PubMed 9725922 (cited by Labcorp Genetics (formerly Invitae), Labcorp); PubMed 30444886 (cited by Labcorp Genetics (formerly Invitae), Labcorp).